The following is an entry in ClinVar:

ClinVar aggregate classification (germline): Likely pathogenic (1 of 4 stars; one submission).

Submission:

Labcorp Genetics (formerly Invitae), Labcorp
Classification: Likely pathogenic. Last evaluated: 2023-10-24. Review status: criteria provided, single submitter. Criteria: Invitae Variant Classification Sherloc (09022015). Collection method: clinical testing. Allele origin: unknown.
Comment: This variant is a gross deletion of the genomic region encompassing exon(s) 11 of the POLR3B gene. This variant would be expected to be in-frame, preserving the integrity of the reading frame. A similar copy number variant has been observed in individual(s) with clinical features of POLR3B-related conditions (Invitae). In at least one individual the data is consistent with being in trans (on the opposite chromosome) from a pathogenic variant. In summary, the currently available evidence indicates that the variant is pathogenic, but additional data are needed to prove that conclusively. Therefore, this variant has been classified as Likely Pathogenic.

NC_000012.11:g.(?_106799615)_(106799774_?)del

Gene: POLR3B (RNA polymerase III subunit B; plus strand). Cytogenetic location: 12q23.3.
Variant type: Deletion.
Identifiers: ClinVar variation 3244429 (VCV003244429.1).